The following is an entry in ClinVar:

ClinVar aggregate classification (germline): Conflicting classifications of pathogenicity. Review status: criteria provided, conflicting classifications (1 of 4 stars). 2 submissions from 2 submitters: Likely pathogenic (1); Uncertain significance (1). Last evaluated 2024-08-28.

Conditions:
Familial adenomatous polyposis 4 (FAP4). Also called: MSH3-related attenuated familial adenomatous polyposis. Identifiers: Orphanet 480536, MedGen C4310719, MONDO:0044300, OMIM 617100.

Submissions (2):

Blueprint Genetics
Classification: Uncertain significance. Last evaluated: 2024-08-28. Review status: criteria provided, single submitter. Criteria: ACMG Guidelines, 2015. Collection method: clinical testing. Allele origin: germline.

Myriad Genetics, Inc.
Classification: Likely pathogenic for Familial adenomatous polyposis 4. Last evaluated: 2023-12-20. Review status: criteria provided, single submitter. Criteria: Myriad Autosomal Dominant, Autosomal Recessive and X-Linked Classification Criteria (2023). Collection method: clinical testing. Allele origin: unknown.
Comment: This variant is considered likely pathogenic. This variant occurs within a consensus splice junction and is predicted to result in abnormal mRNA splicing of either an out-of-frame exon or an in-frame exon necessary for protein stability and/or normal function.

NM_002439.5(MSH3):c.909+1dup

Gene: MSH3 (mutS homolog 3; plus strand). Cytogenetic location: 5q14.1.
Variant type: Duplication.
Coding change: c.909+1dup on transcript NM_002439.5 (MANE Select); the canonical splice donor site of the intron after coding-DNA position 909, one base duplicated (G; older notation c.909+1dupG).
Molecular consequence: splice donor variant.
Genome position (GRCh38, 1-based): chr5:80,672,361, G duplicated; the last of 2 consecutive G bases (chr5:80,672,360-80,672,361); duplicating either gives the same sequence. VCF-style (leftmost placement, unchanged base first): chr5-80672359-A-AG. GRCh37 (hg19) VCF-style: chr5-79968178-A-AG.
Identifiers: ClinVar variation 3148651 (VCV003148651.2), dbSNP rs2546722471, ClinGen allele CA2825001447.